The following is an entry in ClinVar:

NM_024570.4(RNASEH2B):c.269C>G (p.Pro90Arg)

Gene: RNASEH2B (ribonuclease H2 subunit B; plus strand). Cytogenetic location: 13q14.3.
Variant type: single nucleotide variant.
Coding change: c.269C>G on transcript NM_024570.4 (MANE Select); coding-DNA position 269, C replaced by G.
Protein change: p.Pro90Arg; replaces proline 90 with arginine.
Molecular consequence: missense variant.
Genome position (GRCh38, 1-based): chr13:50,930,707, C>G. VCF-style: chr13-50930707-C-G. GRCh37 (hg19) VCF-style: chr13-51504843-C-G.
Other names: c.269C>G, p.Pro90Arg (NM_001142279.2, NM_001411023.1); short protein forms P90R.
Identifiers: ClinVar variation 1979823 (VCV001979823.2), dbSNP rs770203126, ClinGen allele CA6985520.

ClinVar aggregate classification (germline): Uncertain significance (1 of 4 stars; one submission).

Conditions:
Aicardi-Goutieres syndrome 2. Identifiers: Orphanet 51, MedGen C3489724, MONDO:0012429, OMIM 610181.

gnomAD v4.1: 14 of 1,613,832 alleles (0.00087%); highest among the groups gnomAD compares: Non-Finnish European, 0.0012%; no homozygotes.

Submission:

Labcorp Genetics (formerly Invitae), Labcorp
Classification: Uncertain significance for Aicardi-Goutieres syndrome 2. Last evaluated: 2026-01-06. Review status: criteria provided, single submitter. Criteria: Invitae Variant Classification Sherloc (09022015). Collection method: clinical testing. Allele origin: germline.
Comment: This sequence change replaces proline, which is neutral and non-polar, with arginine, which is basic and polar, at codon 90 of the RNASEH2B protein (p.Pro90Arg). This variant is present in population databases (rs770203126, gnomAD 0.0009%). This variant has not been reported in the literature in individuals affected with RNASEH2B-related conditions. ClinVar contains an entry for this variant (Variation ID: 1979823). Invitae Evidence Modeling of protein sequence and biophysical properties (such as structural, functional, and spatial information, amino acid conservation, physicochemical variation, residue mobility, and thermodynamic stability) has been performed for this missense variant. However, the output from this modeling did not meet the statistical confidence thresholds required to predict the impact of this variant on RNASEH2B protein function. In summary, the available evidence is currently insufficient to determine the role of this variant in disease. Therefore, it has been classified as a Variant of Uncertain Significance.